The following is an entry in ClinVar:

ClinVar aggregate classification (germline): Likely benign. Review status: criteria provided, multiple submitters, no conflicts (2 of 4 stars). 2 submissions from 2 submitters: Likely benign (2). Last evaluated 2025-11-23.

Conditions:
TRRAP-related disorder. Also called: TRRAP-related condition.

Allele frequency attached by ClinVar (database versions not stated): ExAC 0.00014; ESP Exome Variant Server 0.00054; gnomAD 0.00054; 1000 Genomes Project 30x 0.00062; 1000 Genomes Project 0.00080.
gnomAD v4.1: 155 of 1,613,472 alleles (0.0096%); highest among the groups gnomAD compares: African/African-American, 0.18%; no homozygotes.

Submissions (2):

Labcorp Genetics (formerly Invitae), Labcorp
Classification: Likely benign. Last evaluated: 2025-11-23. Review status: criteria provided, single submitter. Criteria: Invitae Variant Classification Sherloc (09022015). Collection method: clinical testing. Allele origin: germline.

PreventionGenetics, part of Exact Sciences
Classification: Likely benign for TRRAP-related condition. Last evaluated: 2024-11-06. Review status: criteria provided, single submitter. Criteria: ACMG Guidelines, 2015. Collection method: clinical testing. Allele origin: germline.
Comment: This variant is classified as likely benign based on ACMG/AMP sequence variant interpretation guidelines (Richards et al. 2015 PMID: 25741868, with internal and published modifications).

NM_001375524.1(TRRAP):c.1227G>C (p.Glu409Asp)

Gene: TRRAP (transformation/transcription domain associated protein; plus strand). Cytogenetic location: 7q22.1.
Variant type: single nucleotide variant.
Coding change: c.1227G>C on transcript NM_001375524.1 (MANE Select); coding-DNA position 1227, G replaced by C.
Protein change: p.Glu409Asp; replaces glutamic acid 409 with aspartic acid.
Molecular consequence: missense variant.
Genome position (GRCh38, 1-based): chr7:98,908,839, G>C. VCF-style: chr7-98908839-G-C. GRCh37 (hg19) VCF-style: chr7-98506462-G-C.
Other names: c.1227G>C, p.Glu409Asp (NM_001244580.2, NM_003496.4); c.1227G>C (NM_003496.3); short protein forms E409D.
Identifiers: ClinVar variation 2160130 (VCV002160130.5), dbSNP rs140681775, ClinGen allele CA4359470.